The following is an entry in ClinVar:

NM_005529.7(HSPG2):c.7026C>T (p.Pro2342=)

Gene: HSPG2 (heparan sulfate proteoglycan 2; minus strand). Cytogenetic location: 1p36.12.
Variant type: single nucleotide variant.
Coding change: c.7026C>T on transcript NM_005529.7 (MANE Select); coding-DNA position 7026, C replaced by T.
Protein change: p.Pro2342=; no amino-acid change (proline 2342 retained).
Molecular consequence: synonymous variant.
Genome position (GRCh38, 1-based): chr1:21,851,678, G>A on the plus strand (C>T on the coding strand, the complement: HSPG2 is on the minus strand). VCF-style: chr1-21851678-G-A. GRCh37 (hg19) VCF-style: chr1-22178171-G-A.
Other names: c.7029C>T, p.Pro2343= (NM_001291860.2).
Identifiers: ClinVar variation 291031 (VCV000291031.19), dbSNP rs182418174, ClinGen allele CA671334.

ClinVar aggregate classification (germline): Benign/Likely benign. Review status: criteria provided, multiple submitters, no conflicts (2 of 4 stars). 5 submissions from 4 submitters: Benign (1); Likely benign (4). Last evaluated 2026-01-20.

Conditions:
Lethal Kniest-like syndrome (DDSH). Also called: Dyssegmental Dysplasia. Identifiers: Orphanet 1865, MedGen C1857100, MONDO:0009140, OMIM 224410.
Schwartz-Jampel syndrome. Also called: Myotonic myopathy dwarfism chondrodystrophy and ocular and facial abnormalities. Identifiers: Orphanet 800, MedGen C0036391, MONDO:0009717.

Allele frequency attached by ClinVar (database versions not stated): gnomAD exomes 0.00011 and 0.00054; gnomAD 0.00014 and 0.00022; TOPMed 0.00019; ExAC 0.00041; 1000 Genomes Project 0.00200; 1000 Genomes Project 30x 0.00219.

Submissions (5):

Labcorp Genetics (formerly Invitae), Labcorp
Classification: Benign. Last evaluated: 2026-01-20. Review status: criteria provided, single submitter. Criteria: Invitae Variant Classification Sherloc (09022015). Collection method: clinical testing. Allele origin: germline.

Blueprint Genetics
Classification: Likely benign. Last evaluated: 2024-10-14. Review status: criteria provided, single submitter. Criteria: ACMG Guidelines, 2015. Collection method: clinical testing. Allele origin: germline.

Illumina Laboratory Services, Illumina
Classification: Likely benign for Lethal Kniest-like syndrome. Last evaluated: 2018-01-13. Review status: criteria provided, single submitter. Criteria: ICSL Variant Classification Criteria 13 December 2019. Collection method: clinical testing. Allele origin: germline.
Comment: This variant was observed in the ICSL laboratory as part of a predisposition screen in an ostensibly healthy population. It had not been previously curated by ICSL or reported in the Human Gene Mutation Database (HGMD: prior to June 1st, 2018), and was therefore a candidate for classification through an automated scoring system. Utilizing variant allele frequency, disease prevalence and penetrance estimates, and inheritance mode, an automated score was calculated to assess if this variant is too frequent to cause the disease. Based on the score and internal cut-off values, a variant classified as likely benign is not then subjected to further curation. The score for this variant resulted in a classification of likely benign for this disease.

Illumina Laboratory Services, Illumina
Classification: Likely benign for Schwartz-Jampel syndrome type 1. Last evaluated: 2018-01-13. Review status: criteria provided, single submitter. Criteria: ICSL Variant Classification Criteria 13 December 2019. Collection method: clinical testing. Allele origin: germline.
Comment: the same text as in the submission from Illumina Laboratory Services, Illumina above.

Eurofins Ntd Llc (ga)
Classification: Likely benign. Last evaluated: 2016-09-23. Review status: criteria provided, single submitter. Criteria: EGL Classification Definitions 2015. Collection method: clinical testing. Allele origin: germline. Observed: 1 variant allele, 1 heterozygote.